The following is an entry in ClinVar:

NM_004629.2(FANCG):c.578C>T (p.Ala193Val)

Gene: FANCG (FA complementation group G; minus strand). Cytogenetic location: 9p13.3.
Variant type: single nucleotide variant.
Coding change: c.578C>T on transcript NM_004629.2 (MANE Select); coding-DNA position 578, C replaced by T.
Protein change: p.Ala193Val; replaces alanine 193 with valine.
Molecular consequence: missense variant.
Genome position (GRCh38, 1-based): chr9:35,077,332, G>A on the plus strand (C>T on the coding strand, the complement: FANCG is on the minus strand). VCF-style: chr9-35077332-G-A. GRCh37 (hg19) VCF-style: chr9-35077329-G-A.
Other names: short protein forms A193V.
Identifiers: ClinVar variation 5036491 (VCV005036491.1).
Genomic context (GRCh38, chr9:35,077,332, plus strand): 5'-TAGGCAAATGCTGTCAGGAGGACATCCTTCAATCCCTGGGCATCCTGCAGGGTCAATGGA[G>A]CATCTAATTCCTCAGCTGGGGGACTCCAAGTTTTCAGAAGTAACAGCAGATCCTTAGAGG-3'
Protein context (NP_004620.1, residues 183-203): TWSPPAEELD[Ala193Val]PLTLQDAQGL

ClinVar aggregate classification (germline): Uncertain significance (1 of 4 stars; one submission).

Conditions:
Inborn genetic diseases. Identifiers: MedGen C0950123, MeSH D030342.

gnomAD v4.1: 1 of 1,614,136 alleles (0.000062%); highest among the groups gnomAD compares: South Asian, 0.0011%; no homozygotes.

Submission:

Ambry Genetics
Classification: Uncertain significance for Inborn genetic diseases. Last evaluated: 2026-06-20. Review status: criteria provided, single submitter. Criteria: Ambry Variant Classification Scheme 2023. Collection method: clinical testing. Allele origin: germline.
Comment: The p.A193V variant (also known as c.578C>T), located in coding exon 5 of the FANCG gene, results from a C to T substitution at nucleotide position 578. The alanine at codon 193 is replaced by valine, an amino acid with similar properties. This amino acid position is conserved. In addition, this alteration is predicted to be tolerated by in silico analysis. Based on the available evidence, the clinical significance of this variant remains unclear.